The following is an entry in ClinVar:

NM_003803.4(MYOM1):c.1798G>A (p.Glu600Lys)

Gene: MYOM1 (myomesin 1; minus strand). Cytogenetic location: 18p11.31.
Variant type: single nucleotide variant.
Coding change: c.1798G>A on transcript NM_003803.4 (MANE Select); coding-DNA position 1798, G replaced by A.
Protein change: p.Glu600Lys; replaces glutamic acid 600 with lysine.
Molecular consequence: missense variant.
Genome position (GRCh38, 1-based): chr18:3,151,739, C>T on the plus strand (G>A on the coding strand, the complement: MYOM1 is on the minus strand). VCF-style: chr18-3151739-C-T. GRCh37 (hg19) VCF-style: chr18-3151737-C-T.
Other names: c.1798G>A, p.Glu600Lys (NM_019856.2); short protein forms E600K.
Identifiers: ClinVar variation 2893733 (VCV002893733.4), dbSNP rs758588893, ClinGen allele CA8874852.

ClinVar aggregate classification (germline): Uncertain significance. Review status: criteria provided, multiple submitters, no conflicts (2 of 4 stars). 2 submissions from 2 submitters: Uncertain significance (2). Last evaluated 2025-02-13.

Conditions:
Hypertrophic cardiomyopathy. Also called: HYPERTROPHIC MYOCARDIOPATHY. Identifiers: Orphanet 217569, MedGen C0007194, MeSH D002312, MONDO:0005045, HP:0001639.

Allele frequency attached by ClinVar (database versions not stated): gnomAD 0.00001; gnomAD exomes 0.00001; ExAC 0.00002.
gnomAD v4.1: 18 of 1,613,658 alleles (0.0011%); highest among the groups gnomAD compares: South Asian, 0.015%; no homozygotes.

Submissions (2):

Ambry Genetics
Classification: Uncertain significance. Last evaluated: 2025-02-13. Review status: criteria provided, single submitter. Criteria: Ambry Variant Classification Scheme 2023. Collection method: clinical testing. Allele origin: germline.
Comment: The p.E600K variant (also known as c.1798G>A), located in coding exon 11 of the MYOM1 gene, results from a G to A substitution at nucleotide position 1798. The glutamic acid at codon 600 is replaced by lysine, an amino acid with similar properties. This amino acid position is conserved. In addition, this alteration is predicted to be deleterious by in silico analysis. Based on the available evidence, the clinical significance of this variant remains unclear.

Labcorp Genetics (formerly Invitae), Labcorp
Classification: Uncertain significance for Hypertrophic cardiomyopathy. Last evaluated: 2023-12-06. Review status: criteria provided, single submitter. Criteria: Invitae Variant Classification Sherloc (09022015). Collection method: clinical testing. Allele origin: germline.
Comment: This sequence change replaces glutamic acid, which is acidic and polar, with lysine, which is basic and polar, at codon 600 of the MYOM1 protein (p.Glu600Lys). This variant is present in population databases (rs758588893, gnomAD 0.01%). This variant has not been reported in the literature in individuals affected with MYOM1-related conditions. Advanced modeling of protein sequence and biophysical properties (such as structural, functional, and spatial information, amino acid conservation, physicochemical variation, residue mobility, and thermodynamic stability) performed at Invitae indicates that this missense variant is not expected to disrupt MYOM1 protein function with a negative predictive value of 80%. In summary, the available evidence is currently insufficient to determine the role of this variant in disease. Therefore, it has been classified as a Variant of Uncertain Significance.